The following is an entry in ClinVar:

ClinVar aggregate classification (germline): Uncertain significance (1 of 4 stars; one submission).

Conditions:
Atrioventricular septal defect 4 (AVSD4). Identifiers: MedGen C3280781, MONDO:0013747, OMIM 614430.

Submission:

Labcorp Genetics (formerly Invitae), Labcorp
Classification: Uncertain significance for Atrioventricular septal defect 4. Last evaluated: 2021-05-03. Review status: criteria provided, single submitter. Criteria: Invitae Variant Classification Sherloc (09022015). Collection method: clinical testing. Allele origin: germline.
Comment: In summary, the available evidence is currently insufficient to determine the role of this variant in disease. Therefore, it has been classified as a Variant of Uncertain Significance. Experimental studies and prediction algorithms are not available or were not evaluated, and the functional significance of this variant is currently unknown. This variant has not been reported in the literature in individuals with GATA4-related conditions. The frequency data for this variant in the population databases is considered unreliable, as metrics indicate insufficient coverage at this position in the ExAC database. This variant, c.428_436dup, results in the insertion of 3 amino acid(s) to the GATA4 protein (p.Leu143_Gly145dup), but otherwise preserves the integrity of the reading frame.

NM_001308093.3(GATA4):c.428_436dup (p.Leu143_Gly145dup)

Gene: GATA4 (GATA binding protein 4). Cytogenetic location: 8p23.1.
Variant type: Duplication.
Coding change: c.428_436dup on transcript NM_001308093.3 (MANE Select); coding-DNA positions 428 to 436, 9 bases duplicated.
Protein change: p.Leu143_Gly145dup.
Molecular consequence: inframe insertion. On other transcripts: intron variant (3).
Genome position: GRCh38 VCF-style: chr8-11708732-T-TGCGGGCCTG. GRCh37 (hg19) VCF-style: chr8-11566241-T-TGCGGGCCTG.
Other names: c.428_436dup, p.Leu143_Gly145dup (NM_002052.5); c.-6+7962_-6+7970dup (NM_001308094.2); c.-3+726_-3+734dup (NM_001374274.1); c.-3+4436_-3+4444dup (NM_001374273.1).
Identifiers: ClinVar variation 1350839 (VCV001350839.8), dbSNP rs2130070508, ClinGen allele CA2573142556.